The following is an entry in ClinVar:

NM_000147.5(FUCA1):c.1075G>A (p.Gly359Arg)

Gene: FUCA1 (alpha-L-fucosidase 1; minus strand). Cytogenetic location: 1p36.11.
Variant type: single nucleotide variant.
Coding change: c.1075G>A on transcript NM_000147.5 (MANE Select); coding-DNA position 1075, G replaced by A.
Protein change: p.Gly359Arg; replaces glycine 359 with arginine.
Molecular consequence: missense variant.
Genome position (GRCh38, 1-based): chr1:23,848,734, C>T on the plus strand (G>A on the coding strand, the complement: FUCA1 is on the minus strand). VCF-style: chr1-23848734-C-T. GRCh37 (hg19) VCF-style: chr1-24175224-C-T.
Other names: short protein forms G359R.
Identifiers: ClinVar variation 875407 (VCV000875407.6), dbSNP rs749269943, ClinGen allele CA686367.
Genomic context (GRCh38, chr1:23,848,734, plus strand): 5'-ATTGCACCCGCCATGGTTTGGAGGCATAGATAGCCTCCCCATTGATGCTCAGCCATTTCC[C>T]AACAGCAAGAAGCCTTTCTTGGAAGATGGGAACAATCAGTCCATCTTTAGTTGGTCCAAT-3'
Protein context (NP_000138.2, residues 349-369): PIFQERLLAV[Gly359Arg]KWLSINGEAI

ClinVar aggregate classification (germline): Uncertain significance. Review status: criteria provided, multiple submitters, no conflicts (2 of 4 stars). 3 submissions from 3 submitters: Uncertain significance (3). Last evaluated 2024-03-16.

Conditions:
Fucosidosis. Also called: ALPHA-L-FUCOSIDASE DEFICIENCY. Identifiers: Orphanet 349, MedGen C0016788, MONDO:0009254, OMIM 230000.

Allele frequency attached by ClinVar (database versions not stated): gnomAD 0.00001; TOPMed 0.00001; gnomAD exomes 0.00002 and 0.00006; ExAC 0.00008.
gnomAD v4.1: 37 of 1,614,068 alleles (0.0023%); highest among the groups gnomAD compares: Non-Finnish European, 0.00068%; no homozygotes.

Submissions (3):

Blueprint Genetics
Classification: Uncertain significance. Last evaluated: 2024-03-16. Review status: criteria provided, single submitter. Criteria: ACMG Guidelines, 2015. Collection method: clinical testing. Allele origin: germline.

Labcorp Genetics (formerly Invitae), Labcorp
Classification: Uncertain significance for Fucosidosis. Last evaluated: 2022-03-18. Review status: criteria provided, single submitter. Criteria: Invitae Variant Classification Sherloc (09022015). Collection method: clinical testing. Allele origin: germline.
Comment: This sequence change replaces glycine, which is neutral and non-polar, with arginine, which is basic and polar, at codon 359 of the FUCA1 protein (p.Gly359Arg). This variant is present in population databases (rs749269943, gnomAD 0.1%). This variant has not been reported in the literature in individuals affected with FUCA1-related conditions. ClinVar contains an entry for this variant (Variation ID: 875407). Algorithms developed to predict the effect of missense changes on protein structure and function are either unavailable or do not agree on the potential impact of this missense change (SIFT: "Deleterious"; PolyPhen-2: "Probably Damaging"; Align-GVGD: "Class C0"). Algorithms developed to predict the effect of sequence changes on RNA splicing suggest that this variant may create or strengthen a splice site. In summary, the available evidence is currently insufficient to determine the role of this variant in disease. Therefore, it has been classified as a Variant of Uncertain Significance.

Illumina Laboratory Services, Illumina
Classification: Uncertain significance for Fucosidosis. Last evaluated: 2018-01-12. Review status: criteria provided, single submitter. Criteria: ICSL Variant Classification Criteria 13 December 2019. Collection method: clinical testing. Allele origin: germline.